The following is an entry in ClinVar:

NM_005720.4(ARPC1B):c.775G>C (p.Val259Leu)

Gene: ARPC1B (actin related protein 2/3 complex subunit 1B; plus strand). Cytogenetic location: 7q22.1.
Variant type: single nucleotide variant.
Coding change: c.775G>C on transcript NM_005720.4 (MANE Select); coding-DNA position 775, G replaced by C.
Protein change: p.Val259Leu; replaces valine 259 with leucine.
Molecular consequence: missense variant.
Genome position (GRCh38, 1-based): chr7:99,391,245, G>C. VCF-style: chr7-99391245-G-C. GRCh37 (hg19) VCF-style: chr7-98988868-G-C.
Other names: short protein forms V259L.
Identifiers: ClinVar variation 1389771 (VCV001389771.6), dbSNP rs758046980, ClinGen allele CA4364126.
Genomic context (GRCh38, chr7:99,391,245, plus strand): 5'-ACTCTGGCCTCTGAAACACTACCACTGCTGGCGCTGACCTTCATCACAGACAACAGCCTG[G>C]TGGCAGCGGTGAGGAATAGGGAGGGGAGGGAGGGTGTGTGGTCACAGCAGGCCTCCGAGA-3'
Protein context (NP_005711.1, residues 249-269): ALTFITDNSL[Val259Leu]AAGHDCFPVL

ClinVar aggregate classification (germline): Uncertain significance (1 of 4 stars; one submission).

Allele frequency attached by ClinVar (database versions not stated): gnomAD exomes below 0.00001; TOPMed below 0.00001; ExAC 0.00001.
gnomAD v4.1: 2 of 1,613,946 alleles (0.00012%); highest among the groups gnomAD compares: Non-Finnish European, 0.00017%; no homozygotes.

Submission:

Labcorp Genetics (formerly Invitae), Labcorp
Classification: Uncertain significance. Last evaluated: 2022-09-01. Review status: criteria provided, single submitter. Criteria: Invitae Variant Classification Sherloc (09022015). Collection method: clinical testing. Allele origin: germline.
Comment: In summary, the available evidence is currently insufficient to determine the role of this variant in disease. Therefore, it has been classified as a Variant of Uncertain Significance. Algorithms developed to predict the effect of missense changes on protein structure and function are either unavailable or do not agree on the potential impact of this missense change (SIFT: "Deleterious"; PolyPhen-2: "Benign"; Align-GVGD: "Class C25"). ClinVar contains an entry for this variant (Variation ID: 1389771). This variant has not been reported in the literature in individuals affected with ARPC1B-related conditions. This variant is present in population databases (rs758046980, gnomAD 0.0009%). This sequence change replaces valine, which is neutral and non-polar, with leucine, which is neutral and non-polar, at codon 259 of the ARPC1B protein (p.Val259Leu).